The following is an entry in ClinVar:

NM_005883.3(APC2):c.6642C>G (p.Pro2214=)

Gene: APC2 (APC regulator of Wnt signaling pathway 2; plus strand). Cytogenetic location: 19p13.3.
Variant type: single nucleotide variant.
Coding change: c.6642C>G on transcript NM_005883.3 (MANE Select); coding-DNA position 6642, C replaced by G.
Protein change: p.Pro2214=; no amino-acid change (proline 2214 retained).
Molecular consequence: synonymous variant.
Genome position (GRCh38, 1-based): chr19:1,469,943, C>G. VCF-style: chr19-1469943-C-G. GRCh37 (hg19) VCF-style: chr19-1469942-C-G.
Other names: c.6639C>G, p.Pro2213= (NM_001351273.1).
Identifiers: ClinVar variation 3039167 (VCV003039167.2), dbSNP rs1364086941, ClinGen allele CA504899409.

ClinVar aggregate classification (germline): Likely benign (0 of 4 stars; one submission).

Conditions:
APC2-related disorder. Also called: APC2-related condition; APC2-Related Disorders.

Allele frequency attached by ClinVar (database versions not stated): gnomAD 0.00001; TOPMed 0.00001.
gnomAD v4.1: 5 of 1,512,194 alleles (0.00033%); highest among the groups gnomAD compares: Non-Finnish European, 0.00044%; no homozygotes.

Submission:

PreventionGenetics, part of Exact Sciences
Classification: Likely benign for APC2-related condition. Last evaluated: 2019-05-28. Review status: no assertion criteria provided. Collection method: clinical testing. Allele origin: germline.
Comment: This variant is classified as likely benign based on ACMG/AMP sequence variant interpretation guidelines (Richards et al. 2015 PMID: 25741868, with internal and published modifications).